The following is an entry in ClinVar:

NM_000540.3(RYR1):c.6416C>T (p.Pro2139Leu)

Gene: RYR1 (ryanodine receptor 1; plus strand). Cytogenetic location: 19q13.2.
Variant type: single nucleotide variant.
Coding change: c.6416C>T on transcript NM_000540.3 (MANE Select); coding-DNA position 6416, C replaced by T.
Protein change: p.Pro2139Leu; replaces proline 2139 with leucine.
Molecular consequence: missense variant.
Genome position (GRCh38, 1-based): chr19:38,494,493, C>T. VCF-style: chr19-38494493-C-T. GRCh37 (hg19) VCF-style: chr19-38985133-C-T.
Other names: c.6416C>T, p.Pro2139Leu (NM_001042723.2); short protein forms P2139L.
Identifiers: ClinVar variation 1303358 (VCV001303358.10), dbSNP rs1040827017, ClinGen allele CA308102281.

ClinVar aggregate classification (germline): Uncertain significance. Review status: criteria provided, multiple submitters, no conflicts (2 of 4 stars). 5 submissions from 5 submitters: Uncertain significance (5). Last evaluated 2025-09-04.

Conditions:
Malignant hyperthermia, susceptibility to, 1 (MHS1). Also called: Anesthesia related hyperthermia; Malignant hyperpyrexia; Fulminating hyperpyrexia; Pharmacogenic myopathy; RYR1-Related Malignant Hyperthermia Susceptibility; Malignant hyperthermia suceptibility 1. Identifiers: Orphanet 423, MedGen C2930980, MONDO:0007783, OMIM 145600.
RYR1-related disorder. Also called: RYR1-related disorders; RYR1-related condition. Identifiers: MedGen CN239331.

Allele frequency attached by ClinVar (database versions not stated): gnomAD exomes below 0.00001; gnomAD 0.00001.
gnomAD v4.1: 5 of 1,613,238 alleles (0.00031%); highest among the groups gnomAD compares: South Asian, 0.0022%; no homozygotes.

Submissions (5):

Women's Health and Genetics/Laboratory Corporation of America, LabCorp
Classification: Uncertain significance. Last evaluated: 2025-09-04. Review status: criteria provided, single submitter. Criteria: LabCorp Variant Classification Summary - May 2015. Collection method: clinical testing. Allele origin: germline.
Comment: Variant summary: RYR1 c.6416C>T (p.Pro2139Leu) results in a non-conservative amino acid change in the encoded protein sequence. Algorithms developed to predict the effect of missense changes on protein structure and function all suggest that this variant is likely to be disruptive. The variant allele was found at a frequency of 4e-06 in 250436 control chromosomes. The available data on variant occurrences in the general population are insufficient to allow any conclusion about variant significance. To our knowledge, no occurrence of c.6416C>T in individuals affected with RYR1-related conditions and no experimental evidence demonstrating its impact on protein function have been reported. ClinVar contains an entry for this variant (Variation ID: 1303358). Based on the evidence outlined above, the variant was classified as uncertain significance.

Labcorp Genetics (formerly Invitae), Labcorp
Classification: Uncertain significance for RYR1-related disorder. Last evaluated: 2024-09-26. Review status: criteria provided, single submitter. Criteria: Invitae Variant Classification Sherloc (09022015). Collection method: clinical testing. Allele origin: germline.
Comment: This sequence change replaces proline, which is neutral and non-polar, with leucine, which is neutral and non-polar, at codon 2139 of the RYR1 protein (p.Pro2139Leu). This variant is present in population databases (no rsID available, gnomAD 0.01%). This variant has not been reported in the literature in individuals affected with RYR1-related conditions. ClinVar contains an entry for this variant (Variation ID: 1303358). Invitae Evidence Modeling of protein sequence and biophysical properties (such as structural, functional, and spatial information, amino acid conservation, physicochemical variation, residue mobility, and thermodynamic stability) has been performed for this missense variant. However, the output from this modeling did not meet the statistical confidence thresholds required to predict the impact of this variant on RYR1 protein function. In summary, the available evidence is currently insufficient to determine the role of this variant in disease. Therefore, it has been classified as a Variant of Uncertain Significance.

All of Us Research Program, National Institutes of Health
Classification: Uncertain significance for Malignant hyperthermia, susceptibility to, 1. Last evaluated: 2023-11-30. Review status: criteria provided, single submitter. Criteria: ACMG Guidelines, 2015. Collection method: clinical testing. Allele origin: germline. Inheritance: Autosomal dominant inheritance. Observed: 2 variant alleles, 2 heterozygotes.
Comment: This missense variant replaces proline with leucine at codon 2139 of the RYR1 protein. Computational prediction is inconclusive regarding the impact of this variant on protein structure and function (internally defined REVEL score threshold 0.5 < inconclusive < 0.7, PMID: 27666373). To our knowledge, functional studies have not been reported for this variant. This variant has not been reported in individuals affected with RYR1-related disorders in the literature. This variant has been identified in 2/281822 chromosomes in the general population by the Genome Aggregation Database (gnomAD). The available evidence is insufficient to determine the role of this variant in disease conclusively. Therefore, this variant is classified as a Variant of Uncertain Significance.

This study involves interpretation of variants in research participants for the purpose of population health screening. Participant phenotype was not available at the time of variant classification. Additional details can be found in publication PMID: 35346344, PMCID: PMC8962531

Blueprint Genetics
Classification: Uncertain significance. Last evaluated: 2021-01-05. Review status: criteria provided, single submitter. Criteria: ACMG Guidelines, 2015. Collection method: clinical testing. Allele origin: germline.

GeneDx
Classification: Uncertain significance. Last evaluated: 2020-12-18. Review status: criteria provided, single submitter. Criteria: GeneDx Variant Classification Process June 2021. Collection method: clinical testing. Allele origin: germline. Affected: yes.
Comment: Not observed at a significant frequency in large population cohorts (Lek et al., 2016); In silico analysis supports that this missense variant has a deleterious effect on protein structure/function; Has not been previously published as pathogenic or benign to our knowledge